The following is an entry in ClinVar:

NM_000077.5(CDKN2A):c.410C>T (p.Thr137Ile)

Gene: CDKN2A (cyclin dependent kinase inhibitor 2A; minus strand). Cytogenetic location: 9p21.3.
Variant type: single nucleotide variant.
Coding change: c.410C>T on transcript NM_000077.5; coding-DNA position 410, C replaced by T.
Protein change: p.Thr137Ile; replaces threonine 137 with isoleucine.
Molecular consequence: missense variant (on NM_000077.6). On other transcripts: 3 prime UTR variant (2).
Genome position (GRCh38, 1-based): chr9:21,970,949, G>A on the plus strand (C>T on the coding strand, the complement: CDKN2A is on the minus strand). VCF-style: chr9-21970949-G-A. GRCh37 (hg19) VCF-style: chr9-21970948-G-A.
Other names: c.410C>T, p.Thr137Ile (NM_000077.6, NM_001195132.2); c.257C>T, p.Thr86Ile (NM_001363763.2); c.*54C>T (NM_058195.4); c.*333C>T (NM_058197.5); short protein forms T86I, T137I.
Identifiers: ClinVar variation 824601 (VCV000824601.7), dbSNP rs1587330539, ClinGen allele CA373085893.
Genomic context (GRCh38, chr9:21,970,949, plus strand): 5'-CATCAGTCCTCACCTGAGGGACCTTCCGCGGCATCTATGCGGGCATGGTTACTGCCTCTG[G>A]TGCCCCCCGCAGCCGCGCGCAGGTACCGTGCGACATCGCGATGGCCCAGCTCCTCAGCCA-3'
Protein context (NP_000068.1, residues 127-147): ARYLRAAAGG[Thr137Ile]RGSNHARIDA

ClinVar aggregate classification (germline): Uncertain significance. Review status: criteria provided, multiple submitters, no conflicts (2 of 4 stars). 2 submissions from 2 submitters: Uncertain significance (2). Last evaluated 2025-10-30.

Conditions:
Hereditary cancer-predisposing syndrome. Also called: Neoplastic Syndromes, Hereditary; Tumor predisposition; Hereditary Cancer Syndrome; Hereditary neoplastic syndrome. Identifiers: Orphanet 140162, MedGen C0027672, MeSH D009386, MONDO:0015356.
Familial melanoma. Also called: Hereditary melanoma; Hereditary cutaneous melanoma. Identifiers: Orphanet 618, MedGen C1512419, MONDO:0018961.

Submissions (2):

Ambry Genetics
Classification: Uncertain significance for Hereditary cancer-predisposing syndrome. Last evaluated: 2025-10-30. Review status: criteria provided, single submitter. Criteria: Ambry Variant Classification Scheme 2023. Collection method: clinical testing. Allele origin: germline.
Comment: The p.T137I variant (also known as c.410C>T), located in coding exon 2 of the CDKN2A gene, results from a C to T substitution at nucleotide position 410. The threonine at codon 137 is replaced by isoleucine, an amino acid with similar properties. Of note, this variant is also known as c.453C>T in the p14(ARF) isoform. This amino acid position is not well conserved in available vertebrate species. In addition, the in silico prediction for this alteration is inconclusive. Based on the available evidence, the clinical significance of this variant remains unclear.

Labcorp Genetics (formerly Invitae), Labcorp
Classification: Uncertain significance for Familial melanoma. Last evaluated: 2024-02-25. Review status: criteria provided, single submitter. Criteria: Invitae Variant Classification Sherloc (09022015). Collection method: clinical testing. Allele origin: germline.
Comment: This sequence change replaces threonine, which is neutral and polar, with isoleucine, which is neutral and non-polar, at codon 137 of the CDKN2A (p16INK4a) protein (p.Thr137Ile). This variant is not present in population databases (gnomAD no frequency). This variant has not been reported in the literature in individuals affected with CDKN2A (p16INK4a)-related conditions. ClinVar contains an entry for this variant (Variation ID: 824601). An algorithm developed to predict the effect of missense changes on protein structure and function (PolyPhen-2) suggests that this variant is likely to be tolerated. In summary, the available evidence is currently insufficient to determine the role of this variant in disease. Therefore, it has been classified as a Variant of Uncertain Significance.